The following is an entry in ClinVar:

NM_000631.5(NCF4):c.118-1G>A

Genes: NCF4 (neutrophil cytosolic factor 4; plus strand), NCF4-AS1 (NCF4 antisense RNA 1; minus strand). Cytogenetic location: 22q12.3.
Variant type: single nucleotide variant.
Coding change: c.118-1G>A on transcript NM_000631.5 (MANE Select); the canonical splice acceptor site of the intron before coding-DNA position 118, G replaced by A.
Molecular consequence: splice acceptor variant.
Genome position (GRCh38, 1-based): chr22:36,864,918, G>A. VCF-style: chr22-36864918-G-A. GRCh37 (hg19) VCF-style: chr22-37260960-G-A.
Other names: IVS2AS, G-A, -1; c.118-1G>A (NM_013416.4).
Identifiers: ClinVar variation 425281 (VCV000425281.59), dbSNP rs28445840, ClinGen allele CA10212869.

ClinVar aggregate classification (germline): Pathogenic/Likely pathogenic. Review status: criteria provided, multiple submitters, no conflicts (2 of 4 stars). 9 submissions from 9 submitters: Pathogenic (7); Likely pathogenic (1). 1 of the submissions does not count toward it. Last evaluated 2026-04-29.

Conditions:
NCF4-related disorder. Also called: NCF4-related condition.
Primary immunodeficiency or monogenic inflammatory bowel disease.
Granulomatous disease, chronic, autosomal recessive, cytochrome b-positive, type 3. Also called: GRANULOMATOUS DISEASE, CHRONIC, AUTOSOMAL RECESSIVE, 3; CGD, AUTOSOMAL RECESSIVE CYTOCHROME b-POSITIVE, TYPE III; GRANULOMATOUS DISEASE, CHRONIC, DUE TO NCF4 DEFICIENCY; Granulomatous disease, chronic, autosomal recessive, cytochrome b-positive, type III. Identifiers: Orphanet 379, MedGen C3151409, MONDO:0013507, OMIM 613960.

Allele frequency attached by ClinVar (database versions not stated): TOPMed 0.00003; gnomAD 0.00005 and 0.00006; gnomAD exomes 0.00012; ExAC 0.00015.

Submissions (9):

Precision Genomics Research Lab, Centre for Applied Molecular Biology, University of the Punjab, Lahore
Classification: Pathogenic for Granulomatous disease, chronic, autosomal recessive, cytochrome b-positive, type 3. Last evaluated: 2026-04-29. Review status: criteria provided, single submitter. Criteria: ACMG Guidelines, 2015. Collection method: research. Allele origin: germline. Inheritance: Autosomal recessive inheritance. Affected: yes. Observed: 4 variant alleles, 4 homozygotes. Clinical features observed: Oral ulcer (HP:0000155), Swollen lip (HP:0031244), Spontaneous, recurrent epistaxis (HP:0004406), Abdominal pain (HP:0002027), Perioral eczema (HP:0011127), Recurrent fever (HP:0001954).
Comment: The NCF4 c.118-1G>A (rs28445840) variant affects the canonical splice acceptor site at the intron 2–exon 3 boundary and is predicted to disrupt normal pre-mRNA splicing, resulting in loss of gene function. Which is an established disease mechanism for NCF4-related autosomal recessive chronic granulomatous disease (p40phox deficiency). This variant has been reported in the homozygous state in multiple unrelated affected individuals and has been associated with impaired neutrophil NADPH oxidase activity. It is extremely rare in population databases, with reported minor allele frequencies of 0.00005920 in gnomAD genomes and 0.0001717 in gnomAD exomes. Multiple ClinVar submissions have classified this variant as pathogenic. It has also been described as a founder variant in the Pakistani population. Among the six siblings, five were homozygous for the variant, whereas one was homozygous for the reference (wild-type) allele. These findings indicate variable clinical expression within the family and provide additional evidence supporting the pathogenicity of the variant. The functional DHR assay findings further support an impairment of neutrophil oxidative burst activity consistent with NCF4-related p40phox deficiency. Considering the predicted loss-of-function effect, rarity in population databases, previous reports in affected individuals, existing pathogenic ClinVar classifications, and the genetic and functional findings in the present family, the variant was classified as pathogenic according to the ACMG/AMP 2015 guidelines.

Labcorp Genetics (formerly Invitae), Labcorp
Classification: Pathogenic for Granulomatous disease, chronic, autosomal recessive, cytochrome b-positive, type 3. Last evaluated: 2025-12-08. Review status: criteria provided, single submitter. Criteria: Invitae Variant Classification Sherloc (09022015). Collection method: clinical testing. Allele origin: germline.
Comment: This sequence change affects an acceptor splice site in intron 2 of the NCF4 gene. RNA analysis indicates that disruption of this splice site induces altered splicing and may result in an absent or altered protein product. This variant is present in population databases (rs28445840, gnomAD 0.05%). Disruption of this splice site has been observed in individuals with clinical features of chronic granulomatous disease (PMID: 29969437; internal data). ClinVar contains an entry for this variant (Variation ID: 425281). Studies have shown that disruption of this splice site results in abnormal splicing, and produces a non-functional protein and/or introduces a premature termination codon (PMID: 29969437). For these reasons, this variant has been classified as Pathogenic.

North West Genomic Laboratory Hub, Manchester University NHS Foundation Trust
Classification: Pathogenic for Primary immunodeficiency or monogenic inflammatory bowel disease. Last evaluated: 2025-05-14. Review status: criteria provided, single submitter. Criteria: ACGS Best Practice Guidelines for Variant Classification in Rare Disease 2024. Collection method: clinical testing. Allele origin: germline. Affected: yes.
Comment: PM2_Mod PVS1_VStr PM3_Mod

First Genomix Gene Laboratory, Genetic Diagnostics Department
Classification: Pathogenic for Granulomatous disease, chronic, autosomal recessive, cytochrome b-positive, type 3. Last evaluated: 2025-03-14. Review status: criteria provided, single submitter. Criteria: ACMG Guidelines, 2015. Collection method: clinical testing. Allele origin: germline. Inheritance: Autosomal recessive inheritance. Affected: no. Observed: 1 variant allele.

Fulgent Genetics
Classification: Pathogenic for Granulomatous disease, chronic, autosomal recessive, cytochrome b-positive, type 3. Last evaluated: 2024-04-30. Review status: criteria provided, single submitter. Criteria: ACMG Guidelines, 2015. Collection method: clinical testing. Allele origin: germline.

Blueprint Genetics
Classification: Pathogenic for NCF4-related disorders. Last evaluated: 2023-09-18. Review status: criteria provided, single submitter. Criteria: ACMG Guidelines, 2015. Collection method: clinical testing. Allele origin: germline. Affected: yes. Observed: 5 variant alleles.

Revvity Omics, Revvity
Classification: Pathogenic for Granulomatous disease, chronic, autosomal recessive, cytochrome b-positive, type 3. Last evaluated: 2021-08-18. Review status: criteria provided, single submitter. Criteria: ACMG Guidelines, 2015. Collection method: clinical testing. Allele origin: germline.

CeGaT Center for Human Genetics Tuebingen
Classification: Likely pathogenic. Last evaluated: 2018-03-01. Review status: criteria provided, single submitter. Criteria: CeGaT Center For Human Genetics Tuebingen Variant Classification Criteria Version 2. Collection method: clinical testing. Allele origin: germline. Affected: yes. Observed: 2 variant alleles.

OMIM
Classification: Pathogenic for GRANULOMATOUS DISEASE, CHRONIC, AUTOSOMAL RECESSIVE, 3. Last evaluated: 2020-07-06. Review status: no assertion criteria provided. Collection method: literature only. Allele origin: germline. Not counted in ClinVar's aggregate classification.

Literature cited by the submitters: DOI 10.1172/JCI97116 (cited by Precision Genomics Research Lab, Centre for Applied Molecular Biology, University of the Punjab, Lahore); PubMed 29969437 (cited by Labcorp Genetics (formerly Invitae), Labcorp and OMIM).